The following is an entry in ClinVar:

NM_018975.4(TERF2IP):c.244C>A (p.Gln82Lys)

Gene: TERF2IP (TERF2 interacting protein; plus strand). Cytogenetic location: 16q23.1.
Variant type: single nucleotide variant.
Coding change: c.244C>A on transcript NM_018975.4 (MANE Select); coding-DNA position 244, C replaced by A.
Protein change: p.Gln82Lys; replaces glutamine 82 with lysine.
Molecular consequence: missense variant. On other transcripts: non-coding transcript variant (1).
Genome position (GRCh38, 1-based): chr16:75,648,126, C>A. VCF-style: chr16-75648126-C-A. GRCh37 (hg19) VCF-style: chr16-75682024-C-A.
Other names: short protein forms Q82K.
Identifiers: ClinVar variation 1791456 (VCV001791456.2), dbSNP rs753345034, ClinGen allele CA8177963.
Genomic context (GRCh38, chr16:75,648,126, plus strand): 5'-GTGCTGCTGGCCCAGCCCGGGGAGGCGCTGGCCGAGGCCTCGGGTGATTTCATCTCCACG[C>A]AGTACATCCTGGACTGCGTGGAGCGCAACGAGAGGCTGGAGCTGGAGGCCTATCGGCTGG-3'
Protein context (NP_061848.2, residues 72-92): AEASGDFIST[Gln82Lys]YILDCVERNE

ClinVar aggregate classification (germline): Uncertain significance (1 of 4 stars; one submission).

Allele frequency attached by ClinVar (database versions not stated): ExAC 0.00005.
gnomAD v4.1: 7 of 1,560,224 alleles (0.00045%); highest among the groups gnomAD compares: Non-Finnish European, 0.00061%; no homozygotes.

Submission:

Ambry Genetics
Classification: Uncertain significance. Last evaluated: 2023-10-08. Review status: criteria provided, single submitter. Criteria: Ambry Variant Classification Scheme 2023. Collection method: clinical testing. Allele origin: germline.
Comment: The p.Q82K variant (also known as c.244C>A), located in coding exon 1 of the TERF2IP gene, results from a C to A substitution at nucleotide position 244. The glutamine at codon 82 is replaced by lysine, an amino acid with similar properties. This amino acid position is conserved. In addition, this alteration is predicted to be tolerated by in silico analysis. Since supporting evidence is limited at this time, the clinical significance of this alteration remains unclear.